The following is an entry in ClinVar:

ClinVar aggregate classification (germline): Uncertain significance (1 of 4 stars; one submission).

Submission:

GeneDx
Classification: Uncertain significance. Last evaluated: 2025-07-08. Review status: criteria provided, single submitter. Criteria: GeneDx Variant Classification Process June 2021. Collection method: clinical testing. Allele origin: germline. Affected: yes.
Comment: Not observed at significant frequency in large population cohorts (gnomAD); Has not been previously published as pathogenic or benign to our knowledge; Located in a regulatory region; in the absence of functional studies, the actual effect of this sequence change is unknown

NM_000026.4(ADSL):c.-50C>G

Gene: ADSL (adenylosuccinate lyase; plus strand). Cytogenetic location: 22q13.1.
Variant type: single nucleotide variant.
Coding change: c.-50C>G on transcript NM_000026.4 (MANE Select); 50 bases upstream of the start codon, C replaced by G.
Molecular consequence: 5 prime UTR variant. On other transcripts: non-coding transcript variant (1).
Genome position (GRCh38, 1-based): chr22:40,346,509, C>G. VCF-style: chr22-40346509-C-G. GRCh37 (hg19) VCF-style: chr22-40742513-C-G.
Other names: c.-50C>G (NM_001123378.3, NM_001363840.3, NM_001410812.1 and 2 more transcripts); c.-187C>G (NM_001317923.2).
Identifiers: ClinVar variation 4685170 (VCV004685170.1).